The following is an entry in ClinVar:

NM_017739.4(POMGNT1):c.79_84delinsGTACCG (p.Tyr27_Lys28delinsValPro)

Gene: POMGNT1 (protein O-linked mannose N-acetylglucosaminyltransferase 1 (beta 1,2-); minus strand). Cytogenetic location: 1p34.1.
Variant type: Indel.
Coding change: c.79_84delinsGTACCG on transcript NM_017739.4 (MANE Select); coding-DNA positions 79 to 84, TATAAA replaced by GTACCG.
Protein change: p.Tyr27_Lys28delinsValPro.
Molecular consequence: missense variant. On other transcripts: 5 prime UTR variant (3).
Genome position (GRCh38, 1-based): chr1:46,197,738-46,197,743, TTTATA replaced by CGGTAC on the plus strand (TATAAA replaced by GTACCG on the coding strand, the reverse complement: POMGNT1 is on the minus strand). VCF-style: chr1-46197738-TTTATA-CGGTAC. GRCh37 (hg19) VCF-style: chr1-46663410-TTTATA-CGGTAC.
Other names: p.Tyr27_Lys28delinsValPro; c.79_84delinsGTACCG, p.Tyr27_Lys28delinsValPro (NM_001243766.2, NM_001410783.1, NM_001437653.1 and 3 more transcripts); c.-230_-225delinsGTACCG (NM_001290129.3, NM_001438691.1, NM_001438692.1).
Identifiers: ClinVar variation 4541136 (VCV004541136.1).

ClinVar aggregate classification (germline): Uncertain significance (1 of 4 stars; one submission).

Submission:

Mayo Clinic Laboratories, Mayo Clinic
Classification: Uncertain significance. Last evaluated: 2025-02-23. Review status: criteria provided, single submitter. Criteria: ACMG Guidelines, 2015. Collection method: clinical testing. Allele origin: germline. Observed: 1 variant allele.
Comment: PM2_supporting